The following is an entry in ClinVar:

ClinVar aggregate classification (germline): Pathogenic. Review status: criteria provided, multiple submitters, no conflicts (2 of 4 stars). 5 submissions from 5 submitters: Pathogenic (2). 3 of the submissions do not count toward it. Last evaluated 2022-04-17.

Conditions:
Familial thoracic aortic aneurysm and aortic dissection (TAAD). Also called: Thoracic aortic aneurysms and dissections. Identifiers: Orphanet 91387, MedGen C4707243, MONDO:0019625.
Marfan syndrome (MFS). Also called: Marfan syndrome type 1; Marfan syndrome, classic; Marfan's syndrome; FBN1-Related Marfan Syndrome; MARFAN SYNDROME, TYPE I. Identifiers: Orphanet 284963, Orphanet 558, MedGen C0024796, MONDO:0007947, OMIM 154700.

Submissions (5):

Labcorp Genetics (formerly Invitae), Labcorp
Classification: Pathogenic for Marfan syndrome; Familial thoracic aortic aneurysm and aortic dissection. Last evaluated: 2022-04-17. Review status: criteria provided, single submitter. Criteria: Invitae Variant Classification Sherloc (09022015). Collection method: clinical testing. Allele origin: germline.
Comment: This variant is not present in population databases (gnomAD no frequency). This sequence change creates a premature translational stop signal (p.Cys1748Trpfs*18) in the FBN1 gene. It is expected to result in an absent or disrupted protein product. Loss-of-function variants in FBN1 are known to be pathogenic (PMID: 17657824, 19293843). This premature translational stop signal has been observed in individual(s) with clinical features of FBN1-related conditions (PMID: 33059708). For these reasons, this variant has been classified as Pathogenic. ClinVar contains an entry for this variant (Variation ID: 549267).

Baylor Genetics
Classification: Pathogenic for Marfan syndrome. Last evaluated: 2017-09-01. Review status: criteria provided, single submitter. Criteria: ACMG Guidelines, 2015. Collection method: clinical testing. Allele origin: de novo. Inheritance: Autosomal dominant inheritance. Affected: yes.
Comment: This frameshift mutation is categorized as deleterious according to ACMG guidelines (PMID:18414213). Additional features included hypotonia following minor illnesses, ataxia, sleep myoclonus, insensitivity to pain on the feet, bilateral myopic astigmatism, prolonged episodes of oliguria and excesive thirst, GI dysmotility, frequent infections.

Center for Medical Genetics Ghent, University of Ghent
Classification: Pathogenic for Marfan syndrome. Last evaluated: 2017-11-07. Review status: no assertion criteria provided. Collection method: clinical testing. Allele origin: germline. Affected: yes. Not counted in ClinVar's aggregate classification.

Clinical Genetics DNA and cytogenetics Diagnostics Lab, Erasmus MC, Erasmus Medical Center
Classification: Pathogenic. Review status: no assertion criteria provided. Collection method: clinical testing. Allele origin: germline. Affected: yes. Study: VKGL Data-share Consensus. Not counted in ClinVar's aggregate classification.

Genome Diagnostics Laboratory, Amsterdam University Medical Center
Classification: Pathogenic. Review status: no assertion criteria provided. Collection method: clinical testing. Allele origin: germline. Affected: yes. Study: VKGL Data-share Consensus. Not counted in ClinVar's aggregate classification.

Literature cited by the submitters: PubMed 17657824 (cited by Labcorp Genetics (formerly Invitae), Labcorp); PubMed 19293843 (cited by Labcorp Genetics (formerly Invitae), Labcorp); PubMed 33059708 (cited by Labcorp Genetics (formerly Invitae), Labcorp); PubMed 25326635 (cited by Baylor Genetics).

NM_000138.5(FBN1):c.5244_5245del (p.Cys1748fs)

Gene: FBN1 (fibrillin 1; minus strand). Cytogenetic location: 15q21.1.
Variant type: Microsatellite.
Coding change: c.5244_5245del on transcript NM_000138.5 (MANE Select); coding-DNA positions 5244 to 5245, 2 bases deleted (TG; older notation c.5244_5245delTG).
Protein change: p.Cys1748fs; shifts the reading frame from cysteine 1748.
Molecular consequence: frameshift variant.
Genome position (GRCh38, 1-based): chr15:48,460,297-48,460,298, CA deleted on the plus strand (TG on the coding strand, the reverse complement: FBN1 is on the minus strand); deleting any 2 consecutive bases within chr15:48,460,297-48,460,300 gives the same sequence; the c. name uses the placement nearest the transcript's 3' end. VCF-style (leftmost placement, unchanged base first): chr15-48460296-CCA-C. GRCh37 (hg19) VCF-style: chr15-48752493-CCA-C.
Other names: c.5244_5245del (NM_000138.4); short protein forms C1748fs.
Identifiers: ClinVar variation 549267 (VCV000549267.8), dbSNP rs1555396636, ClinGen allele CA658824307.